The following is an entry in ClinVar:

NM_016151.4(TAOK2):c.2045G>A (p.Arg682Gln)

Gene: TAOK2 (TAO kinase 2; plus strand). Cytogenetic location: 16p11.2.
Variant type: single nucleotide variant.
Coding change: c.2045G>A on transcript NM_016151.4 (MANE Select); coding-DNA position 2045, G replaced by A.
Protein change: p.Arg682Gln; replaces arginine 682 with glutamine.
Molecular consequence: missense variant.
Genome position (GRCh38, 1-based): chr16:29,986,317, G>A. VCF-style: chr16-29986317-G-A. GRCh37 (hg19) VCF-style: chr16-29997638-G-A.
Other names: c.2045G>A, p.Arg682Gln (NM_001252043.2, NM_004783.4); short protein forms R682Q.
Identifiers: ClinVar variation 4777137 (VCV004777137.1).

ClinVar aggregate classification (germline): Uncertain significance (1 of 4 stars; one submission).

gnomAD v4.1: 7 of 1,558,680 alleles (0.00045%); highest among the groups gnomAD compares: Non-Finnish European, 0.00061%; no homozygotes.

Submission:

Labcorp Genetics (formerly Invitae), Labcorp
Classification: Uncertain significance. Last evaluated: 2025-09-29. Review status: criteria provided, single submitter. Criteria: Invitae Variant Classification Sherloc (09022015). Collection method: clinical testing. Allele origin: germline.
Comment: This sequence change replaces arginine, which is basic and polar, with glutamine, which is neutral and polar, at codon 682 of the TAOK2 protein (p.Arg682Gln). This variant is present in population databases (rs759519804, gnomAD 0.001%). This variant has not been reported in the literature in individuals affected with TAOK2-related conditions. An algorithm developed to predict the effect of missense changes on protein structure and function (PolyPhen-2) suggests that this variant is likely to be disruptive. In summary, the available evidence is currently insufficient to determine the role of this variant in disease. Therefore, it has been classified as a Variant of Uncertain Significance.